The following is an entry in ClinVar:

ClinVar aggregate classification (germline): Uncertain significance (1 of 4 stars; one submission).

Allele frequency attached by ClinVar (database versions not stated): TOPMed below 0.00001.

Submission:

GeneDx
Classification: Uncertain significance. Last evaluated: 2021-04-20. Review status: criteria provided, single submitter. Criteria: GeneDx Variant Classification Process June 2021. Collection method: clinical testing. Allele origin: germline. Affected: yes.
Comment: Not observed in large population cohorts (Lek et al., 2016); In silico analysis supports that this missense variant has a deleterious effect on protein structure/function; Has not been previously published as pathogenic or benign to our knowledge

NM_003242.6(TGFBR2):c.1265C>A (p.Ala422Glu)

Gene: TGFBR2 (transforming growth factor beta receptor 2; plus strand). Cytogenetic location: 3p24.1.
Variant type: single nucleotide variant.
Coding change: c.1265C>A on transcript NM_003242.6 (MANE Select); coding-DNA position 1265, C replaced by A.
Protein change: p.Ala422Glu; replaces alanine 422 with glutamic acid.
Molecular consequence: missense variant.
Genome position (GRCh38, 1-based): chr3:30,674,115, C>A. VCF-style: chr3-30674115-C-A. GRCh37 (hg19) VCF-style: chr3-30715607-C-A.
Other names: c.1340C>A, p.Ala447Glu (NM_001024847.3); c.1448C>A, p.Ala483Glu (NM_001407126.1); c.1373C>A, p.Ala458Glu (NM_001407127.1); c.1292C>A, p.Ala431Glu (NM_001407128.1); c.1268C>A, p.Ala423Glu (NM_001407129.1); c.1265C>A, p.Ala422Glu (NM_001407130.1); c.1160C>A, p.Ala387Glu (NM_001407132.1, NM_001407133.1, NM_001407134.1 and 2 more transcripts); c.980C>A, p.Ala327Glu (NM_001407137.1); and 1 more; short protein forms A422E, A447E, A423E, A327E, A387E, A431E, A483E, A302E.
Identifiers: ClinVar variation 1314585 (VCV001314585.3), dbSNP rs1699390424, ClinGen allele CA351808889.